The following is an entry in ClinVar:

NM_182914.3(SYNE2):c.4910A>G (p.Tyr1637Cys)

Gene: SYNE2 (spectrin repeat containing nuclear envelope protein 2; plus strand). Cytogenetic location: 14q23.2.
Variant type: single nucleotide variant.
Coding change: c.4910A>G on transcript NM_182914.3 (MANE Select); coding-DNA position 4910, A replaced by G.
Protein change: p.Tyr1637Cys; replaces tyrosine 1637 with cysteine.
Molecular consequence: missense variant.
Genome position (GRCh38, 1-based): chr14:64,017,617, A>G. VCF-style: chr14-64017617-A-G. GRCh37 (hg19) VCF-style: chr14-64484335-A-G.
Other names: c.4910A>G, p.Tyr1637Cys (NM_015180.6); short protein forms Y1637C.
Identifiers: ClinVar variation 286154 (VCV000286154.44), dbSNP rs143578863, ClinGen allele CA7220349.

ClinVar aggregate classification (germline): Conflicting classifications of pathogenicity. Review status: criteria provided, conflicting classifications (1 of 4 stars). 8 submissions from 8 submitters: Uncertain significance (1); Likely benign (5). 2 of the submissions do not count toward it. Last evaluated 2025-12-01.

Conditions:
Emery-Dreifuss muscular dystrophy 5, autosomal dominant (EDMD5). Also called: EMERY-DREIFUSS MUSCULAR DYSTROPHY 5. Identifiers: Orphanet 261, MedGen C2751805, MONDO:0013072, OMIM 612999.

Allele frequency attached by ClinVar (database versions not stated): gnomAD 0.00031 and 0.00033; ESP Exome Variant Server 0.00034; TOPMed 0.00040; gnomAD exomes 0.00043; ExAC 0.00045; 1000 Genomes Project 30x 0.00062; 1000 Genomes Project 0.00080.
gnomAD v4.1: 530 of 1,612,528 alleles (0.033%); highest among the groups gnomAD compares: Middle Eastern, 1.1%; 4 homozygotes.

Submissions (8):

Labcorp Genetics (formerly Invitae), Labcorp
Classification: Likely benign for Emery-Dreifuss muscular dystrophy 5, autosomal dominant. Last evaluated: 2025-12-01. Review status: criteria provided, single submitter. Criteria: Invitae Variant Classification Sherloc (09022015). Collection method: clinical testing. Allele origin: germline.

Athena Diagnostics
Classification: Likely benign. Last evaluated: 2025-10-08. Review status: criteria provided, single submitter. Criteria: Athena Diagnostics Criteria. Collection method: clinical testing. Allele origin: unknown.
Comment: The frequency of this variant in the general population is higher than would generally be expected for pathogenic variants in this gene. Computational tools predict this amino acid change may be benign.

Revvity Omics, Revvity
Classification: Likely benign for Emery-Dreifuss muscular dystrophy 5, autosomal dominant. Last evaluated: 2025-08-07. Review status: criteria provided, single submitter. Criteria: ACMG Guidelines, 2015. Collection method: clinical testing. Allele origin: germline.

Blueprint Genetics
Classification: Likely benign. Last evaluated: 2024-11-05. Review status: criteria provided, single submitter. Criteria: ACMG Guidelines, 2015. Collection method: clinical testing. Allele origin: germline.

CeGaT Center for Human Genetics Tuebingen
Classification: Likely benign. Last evaluated: 2023-05-01. Review status: criteria provided, single submitter. Criteria: CeGaT Center For Human Genetics Tuebingen Variant Classification Criteria Version 2. Collection method: clinical testing. Allele origin: germline. Affected: yes. Observed: 2 variant alleles.
Comment: SYNE2: BS1

Eurofins Ntd Llc (ga)
Classification: Uncertain significance. Last evaluated: 2016-06-23. Review status: criteria provided, single submitter. Criteria: EGL Classification Definitions 2015. Collection method: clinical testing. Allele origin: germline. Observed: 4 variant alleles, 4 heterozygotes.

Genome Diagnostics Laboratory, University Medical Center Utrecht
Classification: Likely benign. Review status: no assertion criteria provided. Collection method: clinical testing. Allele origin: germline. Affected: yes. Study: VKGL Data-share Consensus. Not counted in ClinVar's aggregate classification.

Laboratory of Diagnostic Genome Analysis, Leiden University Medical Center (LUMC)
Classification: Likely benign. Review status: no assertion criteria provided. Collection method: clinical testing. Allele origin: germline. Affected: yes. Study: VKGL Data-share Consensus. Not counted in ClinVar's aggregate classification.

Literature cited by the submitters: PubMed 29590070 (cited by Athena Diagnostics); PubMed 31624253 (cited by Athena Diagnostics).